The following is an entry in ClinVar:

NM_015909.4(NBAS):c.2130G>A (p.Gln710=)

Gene: NBAS (NBAS subunit of NRZ tethering complex; minus strand). Cytogenetic location: 2p24.3.
Variant type: single nucleotide variant.
Coding change: c.2130G>A on transcript NM_015909.4 (MANE Select); coding-DNA position 2130, G replaced by A.
Protein change: p.Gln710=; no amino-acid change (glutamine 710 retained).
Molecular consequence: synonymous variant. On other transcripts: non-coding transcript variant (1).
Genome position (GRCh38, 1-based): chr2:15,461,759, C>T on the plus strand (G>A on the coding strand, the complement: NBAS is on the minus strand). VCF-style: chr2-15461759-C-T. GRCh37 (hg19) VCF-style: chr2-15601883-C-T.
Identifiers: ClinVar variation 780339 (VCV000780339.14), dbSNP rs144268432, ClinGen allele CA1536449.

ClinVar aggregate classification (germline): Benign. Review status: criteria provided, multiple submitters, no conflicts (2 of 4 stars). 3 submissions from 3 submitters: Benign (2). 1 of the submissions does not count toward it. Last evaluated 2026-02-02.

Conditions:
NBAS-related disorder. Also called: NBAS-related condition.

Allele frequency attached by ClinVar (database versions not stated): gnomAD exomes 0.00071 and 0.00178; ExAC 0.00264; 1000 Genomes Project 0.00659; 1000 Genomes Project 30x 0.00734; gnomAD 0.00742 and 0.00802; TOPMed 0.00821; ESP Exome Variant Server 0.00917.
gnomAD v4.1: 2,200 of 1,607,134 alleles (0.14%); highest among the groups gnomAD compares: African/African-American, 2.5%; 20 homozygotes.

Submissions (3):

Labcorp Genetics (formerly Invitae), Labcorp
Classification: Benign. Last evaluated: 2026-02-02. Review status: criteria provided, single submitter. Criteria: Invitae Variant Classification Sherloc (09022015). Collection method: clinical testing. Allele origin: germline.

Breakthrough Genomics
Classification: Benign. Review status: criteria provided, single submitter. Criteria: ACMG Guidelines, 2015. Collection method: not provided. Allele origin: germline. Inheritance: Autosomal recessive inheritance. Affected: yes.

PreventionGenetics, part of Exact Sciences
Classification: Benign for NBAS-related condition. Last evaluated: 2019-07-01. Review status: no assertion criteria provided. Collection method: clinical testing. Allele origin: germline. Not counted in ClinVar's aggregate classification.
Comment: This variant is classified as benign based on ACMG/AMP sequence variant interpretation guidelines (Richards et al. 2015 PMID: 25741868, with internal and published modifications).